The following is an entry in ClinVar:

NM_005751.5(AKAP9):c.3350G>A (p.Arg1117His)

Gene: AKAP9 (A-kinase anchoring protein 9; plus strand). Cytogenetic location: 7q21.2.
Variant type: single nucleotide variant.
Coding change: c.3350G>A on transcript NM_005751.5 (MANE Select); coding-DNA position 3350, G replaced by A.
Protein change: p.Arg1117His; replaces arginine 1117 with histidine.
Molecular consequence: missense variant.
Genome position (GRCh38, 1-based): chr7:92,012,460, G>A. VCF-style: chr7-92012460-G-A. GRCh37 (hg19) VCF-style: chr7-91641774-G-A.
Other names: c.3350G>A, p.Arg1117His (NM_147185.3); short protein forms R1117H.
Identifiers: ClinVar variation 651023 (VCV000651023.15), dbSNP rs546600149, ClinGen allele CA4336291.

ClinVar aggregate classification (germline): Conflicting classifications of pathogenicity. Review status: criteria provided, conflicting classifications (1 of 4 stars). 4 submissions from 4 submitters: Uncertain significance (2); Likely benign (2). Last evaluated 2026-01-20.

Conditions:
Cardiovascular phenotype. Identifiers: MedGen CN230736.
Long QT syndrome (LQTS). Identifiers: MedGen C0023976, MeSH D008133, MONDO:0002442. Disease mechanism: loss of function. Inheritance: Various modes of inheritance.
AKAP9-related disorder. Also called: AKAP9-related condition.

Allele frequency attached by ClinVar (database versions not stated): gnomAD exomes 0.00001 and 0.00006; TOPMed 0.00003; ExAC 0.00007; 1000 Genomes Project 30x 0.00016; 1000 Genomes Project 0.00020.
gnomAD v4.1: 26 of 1,613,986 alleles (0.0016%); highest among the groups gnomAD compares: East Asian, 0.016%; no homozygotes.

Submissions (4):

Labcorp Genetics (formerly Invitae), Labcorp
Classification: Uncertain significance for Long QT syndrome. Last evaluated: 2026-01-20. Review status: criteria provided, single submitter. Criteria: Invitae Variant Classification Sherloc (09022015). Collection method: clinical testing. Allele origin: germline.
Comment: This sequence change replaces arginine, which is basic and polar, with histidine, which is basic and polar, at codon 1117 of the AKAP9 protein (p.Arg1117His). This variant is present in population databases (rs546600149, gnomAD 0.05%). This missense change has been observed in individual(s) with primary fibrotic atrial cardiomyopathy (PMID: 35063694). ClinVar contains an entry for this variant (Variation ID: 651023). An algorithm developed to predict the effect of missense changes on protein structure and function (PolyPhen-2) suggests that this variant is likely to be disruptive. Algorithms developed to predict the effect of sequence changes on RNA splicing suggest that this variant may create or strengthen a splice site. In summary, the available evidence is currently insufficient to determine the role of this variant in disease. Therefore, it has been classified as a Variant of Uncertain Significance.

Ambry Genetics
Classification: Likely benign for Cardiovascular phenotype. Last evaluated: 2025-01-29. Review status: criteria provided, single submitter. Criteria: Ambry Variant Classification Scheme 2023. Collection method: clinical testing. Allele origin: germline.

PreventionGenetics, part of Exact Sciences
Classification: Uncertain significance for AKAP9-related condition. Last evaluated: 2023-04-20. Review status: criteria provided, single submitter. Criteria: ACMG Guidelines, 2015. Collection method: clinical testing. Allele origin: germline.
Comment: The AKAP9 c.3350G>A variant is predicted to result in the amino acid substitution p.Arg1117His. This variant was reported in an individual with primary fibrotic atrial cardiomyopathy (Table S1, Zhu et al. 2022. PubMed ID: 35063694). This variant is reported in 0.054% of alleles in individuals of East Asian descent in gnomAD. Although we suspect that this variant may be benign, at this time, the clinical significance of this variant is uncertain due to the absence of conclusive functional and genetic evidence.

Women's Health and Genetics/Laboratory Corporation of America, LabCorp
Classification: Likely benign. Last evaluated: 2021-03-11. Review status: criteria provided, single submitter. Criteria: LabCorp Variant Classification Summary - May 2015. Collection method: clinical testing. Allele origin: germline.
Comment: Variant summary: AKAP9 c.3350G>A (p.Arg1117His) results in a non-conservative amino acid change in the encoded protein sequence. Four of five in-silico tools predict a damaging effect of the variant on protein function. The variant allele was found at a frequency of 6e-05 in 251372 control chromosomes. The observed variant frequency is approximately 18 fold of the estimated maximal expected allele frequency for a pathogenic variant in AKAP9 causing Long QT Syndrome phenotype (3.3e-06), strongly suggesting that the variant is benign. To our knowledge, no occurrence of c.3350G>A in individuals affected with Long QT Syndrome and no experimental evidence demonstrating its impact on protein function have been reported. One clinical diagnostic laboratory has submitted clinical-significance assessments for this variant to ClinVar after 2014 without evidence for independent evaluation and classified the variant as uncertain significance. Based on the evidence outlined above, the variant was classified as likely benign.

Literature cited by the submitters: PubMed 35063694 (cited by Labcorp Genetics (formerly Invitae), Labcorp).